The following is an entry in ClinVar:

ClinVar aggregate classification (germline): Uncertain significance. Review status: criteria provided, multiple submitters, no conflicts (2 of 4 stars). 2 submissions from 2 submitters: Uncertain significance (2). Last evaluated 2025-12-09.

Allele frequency attached by ClinVar (database versions not stated): TOPMed 0.00002; ExAC 0.00003; gnomAD exomes 0.00001; gnomAD 0.00002.
gnomAD v4.1: 14 of 1,207,159 alleles (0.0012%); highest among the groups gnomAD compares: South Asian, 0.0018%; no homozygotes.

Submissions (2):

Ambry Genetics
Classification: Uncertain significance. Last evaluated: 2025-12-09. Review status: criteria provided, single submitter. Criteria: Ambry Variant Classification Scheme 2023. Collection method: clinical testing. Allele origin: germline.

Labcorp Genetics (formerly Invitae), Labcorp
Classification: Uncertain significance. Last evaluated: 2025-06-09. Review status: criteria provided, single submitter. Criteria: Invitae Variant Classification Sherloc (09022015). Collection method: clinical testing. Allele origin: germline.
Comment: This sequence change replaces serine, which is neutral and polar, with asparagine, which is neutral and polar, at codon 1192 of the COL4A6 protein (p.Ser1192Asn). This variant is present in population databases (rs768195870, gnomAD 0.06%). This variant has not been reported in the literature in individuals affected with COL4A6-related conditions. ClinVar contains an entry for this variant (Variation ID: 2261796). Invitae Evidence Modeling of protein sequence and biophysical properties (such as structural, functional, and spatial information, amino acid conservation, physicochemical variation, residue mobility, and thermodynamic stability) indicates that this missense variant is not expected to disrupt COL4A6 protein function with a negative predictive value of 80%. In summary, the available evidence is currently insufficient to determine the role of this variant in disease. Therefore, it has been classified as a Variant of Uncertain Significance.

NM_033641.4(COL4A6):c.3572G>A (p.Ser1191Asn)

Gene: COL4A6 (collagen type IV alpha 6 chain; minus strand). Cytogenetic location: Xq22.3.
Variant type: single nucleotide variant.
Coding change: c.3572G>A on transcript NM_033641.4 (MANE Select); coding-DNA position 3572, G replaced by A.
Protein change: p.Ser1191Asn; replaces serine 1191 with asparagine.
Molecular consequence: missense variant.
Genome position (GRCh38, 1-based): chrX:108,169,614, C>T on the plus strand (G>A on the coding strand, the complement: COL4A6 is on the minus strand). VCF-style: chrX-108169614-C-T. GRCh37 (hg19) VCF-style: chrX-107412844-C-T.
Other names: c.3623G>A, p.Ser1208Asn (NM_001287758.2); c.3500G>A, p.Ser1167Asn (NM_001287759.2, NM_001287760.2); c.3575G>A, p.Ser1192Asn (NM_001847.4); short protein forms S1191N, S1192N, S1167N, S1208N.
Identifiers: ClinVar variation 2261796 (VCV002261796.4), dbSNP rs768195870, ClinGen allele CA10487388.
Genomic context (GRCh38, chrX:108,169,614, plus strand): 5'-GGATATCCTTTTTCTCCTTTGGGTCCAGGGAGACCAGCAGGCCCAGGCACACCGGTGATA[C>T]TAGGTCCTAGGAGGAGATGCAGGGGTAGGGGGCAGACCTCAGTGGAGGTGAGGCCTTCCT-3'
Protein context (NP_378667.1, residues 1181-1201): TKGTHGTPGP[Ser1191Asn]ITGVPGPAGL